The following is an entry in ClinVar:

NM_006610.4(MASP2):c.1254_1261delinsCCTCACACACTC (p.Trp418fs)

Genes: MASP2 (MBL associated serine protease 2; minus strand), TARDBP (TAR DNA binding protein; plus strand). Cytogenetic location: 1p36.22.
Variant type: Indel.
Coding change: c.1254_1261delinsCCTCACACACTC on transcript NM_006610.4 (MANE Select); coding-DNA positions 1254 to 1261, GACGAGCT replaced by CCTCACACACTC.
Protein change: p.Trp418fs; shifts the reading frame from tryptophan 418.
Molecular consequence: frameshift variant.
Genome position (GRCh38, 1-based): chr1:11,030,212-11,030,219, AGCTCGTC replaced by GAGTGTGTGAGG on the plus strand (GACGAGCT replaced by CCTCACACACTC on the coding strand, the reverse complement: MASP2 is on the minus strand). VCF-style: chr1-11030212-AGCTCGTC-GAGTGTGTGAGG. GRCh37 (hg19) VCF-style: chr1-11090269-AGCTCGTC-GAGTGTGTGAGG.
Other names: short protein forms W418fs.
Identifiers: ClinVar variation 2689403 (VCV002689403.2), dbSNP rs2521403568, ClinGen allele CA2697552219.

ClinVar aggregate classification (germline): Conflicting classifications of pathogenicity. Review status: criteria provided, conflicting classifications (1 of 4 stars). 2 submissions from 2 submitters: Likely pathogenic (1); Uncertain significance (1). Last evaluated 2025-09-04.

Conditions:
Immunodeficiency due to MASP-2 deficiency. Also called: LECTIN COMPLEMENT ACTIVATION PATHWAY, DEFECT IN, 2; MASP2 deficiency. Identifiers: Orphanet 331187, MedGen C3151085, MONDO:0013423, OMIM 613791.

Submissions (2):

First Genomix Gene Laboratory, Genetic Diagnostics Department
Classification: Likely pathogenic for Immunodeficiency due to MASP-2 deficiency. Last evaluated: 2025-09-04. Review status: criteria provided, single submitter. Criteria: ACMG Guidelines, 2015. Collection method: clinical testing. Allele origin: germline. Inheritance: Autosomal recessive inheritance. Affected: no. Observed: 1 variant allele.

Revvity Omics, Revvity
Classification: Uncertain significance for Immunodeficiency due to MASP-2 deficiency. Last evaluated: 2023-02-02. Review status: criteria provided, single submitter. Criteria: ACMG Guidelines, 2015. Collection method: clinical testing. Allele origin: germline.